The following is an entry in ClinVar:

NM_145239.3(PRRT2):c.456del (p.Lys153fs)

Genes: MVP-DT (MVP divergent transcript; minus strand), PRRT2 (proline rich transmembrane protein 2; plus strand). Cytogenetic location: 16p11.2.
Variant type: Deletion.
Coding change: c.456del on transcript NM_145239.3 (MANE Select); coding-DNA position 456, one base deleted (C; older notation c.456delC).
Protein change: p.Lys153fs; shifts the reading frame from lysine 153.
Molecular consequence: frameshift variant.
Genome position (GRCh38, 1-based): chr16:29,813,510, C deleted; the last of 5 consecutive C bases (chr16:29,813,506-29,813,510); deleting any one gives the same sequence. VCF-style (leftmost placement, unchanged base first): chr16-29813505-AC-A. GRCh37 (hg19) VCF-style: chr16-29824826-AC-A.
Other names: c.456del, p.Lys153fs (NM_001256442.2, NM_001256443.2); short protein forms K153fs.
Identifiers: ClinVar variation 2098937 (VCV002098937.4), dbSNP rs2543333592, ClinGen allele CA645595361.

ClinVar aggregate classification (germline): Pathogenic (1 of 4 stars; one submission).

Conditions:
Episodic kinesigenic dyskinesia (EKD). Also called: Paroxysmal kinesigenic dyskinesia. Identifiers: Orphanet 98809, MedGen C1868682, MONDO:0044202.

Submission:

Labcorp Genetics (formerly Invitae), Labcorp
Classification: Pathogenic for Episodic kinesigenic dyskinesia. Last evaluated: 2022-05-28. Review status: criteria provided, single submitter. Criteria: Invitae Variant Classification Sherloc (09022015). Collection method: clinical testing. Allele origin: germline.
Comment: This variant has not been reported in the literature in individuals affected with PRRT2-related conditions. This sequence change creates a premature translational stop signal (p.Lys153Serfs*23) in the PRRT2 gene. It is expected to result in an absent or disrupted protein product. Loss-of-function variants in PRRT2 are known to be pathogenic (PMID: 22623405, 22744660). This variant is not present in population databases (gnomAD no frequency). For these reasons, this variant has been classified as Pathogenic.

Literature cited by the submitters: PubMed 22623405; PubMed 22744660.